The following is an entry in ClinVar:

ClinVar aggregate classification (germline): Uncertain significance (1 of 4 stars; one submission).

Conditions:
Spastic paraplegia. Identifiers: MedGen C0037772, HP:0001258.

Allele frequency attached by ClinVar (database versions not stated): gnomAD exomes 0.00001.
gnomAD v4.1: 4 of 1,613,644 alleles (0.00025%); highest among the groups gnomAD compares: East Asian, 0.0067%; no homozygotes.

Submission:

Labcorp Genetics (formerly Invitae), Labcorp
Classification: Uncertain significance for Spastic paraplegia. Last evaluated: 2025-09-28. Review status: criteria provided, single submitter. Criteria: Invitae Variant Classification Sherloc (09022015). Collection method: clinical testing. Allele origin: germline.
Comment: This sequence change replaces proline, which is neutral and non-polar, with leucine, which is neutral and non-polar, at codon 131 of the RTN2 protein (p.Pro131Leu). This variant is present in population databases (no rsID available, gnomAD 0.007%). This variant has not been reported in the literature in individuals affected with RTN2-related conditions. ClinVar contains an entry for this variant (Variation ID: 2070628). An algorithm developed to predict the effect of missense changes on protein structure and function (PolyPhen-2) suggests that this variant is likely to be tolerated. In summary, the available evidence is currently insufficient to determine the role of this variant in disease. Therefore, it has been classified as a Variant of Uncertain Significance.

NM_005619.5(RTN2):c.392C>T (p.Pro131Leu)

Genes: OPA3-RTN2 (OPA3-RTN2 readthrough; minus strand), RTN2 (reticulon 2; minus strand). Cytogenetic location: 19q13.32.
Variant type: single nucleotide variant.
Coding change: c.392C>T on transcript NM_005619.5 (MANE Select); coding-DNA position 392, C replaced by T.
Protein change: p.Pro131Leu; replaces proline 131 with leucine.
Molecular consequence: missense variant.
Genome position (GRCh38, 1-based): chr19:45,494,693, G>A on the plus strand (C>T on the coding strand, the complement: RTN2 is on the minus strand). VCF-style: chr19-45494693-G-A. GRCh37 (hg19) VCF-style: chr19-45997951-G-A.
Other names: c.392C>T, p.Pro131Leu (NM_206900.3); short protein forms P131L.
Identifiers: ClinVar variation 2070628 (VCV002070628.4), dbSNP rs1351602773, ClinGen allele CA406361949.